The following is an entry in ClinVar:

NM_001008537.3(NEXMIF):c.3458dup (p.Asn1153fs)

Gene: NEXMIF (neurite extension and migration factor; minus strand). Cytogenetic location: Xq13.3.
Variant type: Duplication.
Coding change: c.3458dup on transcript NM_001008537.3 (MANE Select); coding-DNA position 3458, one base duplicated (A; older notation c.3458dupA).
Protein change: p.Asn1153fs; shifts the reading frame from asparagine 1153.
Molecular consequence: frameshift variant.
Genome position (GRCh38, 1-based): chrX:74,741,099, T duplicated on the plus strand (A on the coding strand, the reverse complement: NEXMIF is on the minus strand); the first of 7 consecutive T bases (chrX:74,741,099-74,741,105); duplicating any one gives the same sequence. VCF-style (leftmost placement, unchanged base first): chrX-74741098-G-GT. GRCh37 (hg19) VCF-style: chrX-73960933-G-GT.
Other names: c.3458dup (NM_001008537.1); c.3458dupA (NM_001008537.2); short protein forms N1153fs.
Identifiers: ClinVar variation 653605 (VCV000653605.12), dbSNP rs1602211123, ClinGen allele CA645603759.

ClinVar aggregate classification (germline): Pathogenic. Review status: criteria provided, multiple submitters, no conflicts (2 of 4 stars). 6 submissions from 6 submitters: Pathogenic (6). Last evaluated 2023-10-10.

Conditions:
X-linked intellectual disability, Cantagrel type (XLID98). Also called: INTELLECTUAL DEVELOPMENTAL DISORDER, X-LINKED 98. Identifiers: Orphanet 85277, MedGen C3806730, MONDO:0010483, OMIM 300912.

Submissions (6):

Labcorp Genetics (formerly Invitae), Labcorp
Classification: Pathogenic. Last evaluated: 2023-10-10. Review status: criteria provided, single submitter. Criteria: Invitae Variant Classification Sherloc (09022015). Collection method: clinical testing. Allele origin: germline.
Comment: This sequence change creates a premature translational stop signal (p.Asn1153Lysfs*8) in the NEXMIF gene. It is expected to result in an absent or disrupted protein product. Loss-of-function variants in NEXMIF are known to be pathogenic (PMID: 23615299). This variant is not present in population databases (gnomAD no frequency). This premature translational stop signal has been observed in individual(s) with NEXMIF encephalopathy (PMID: 33144681). ClinVar contains an entry for this variant (Variation ID: 653605). For these reasons, this variant has been classified as Pathogenic.

GeneDx
Classification: Pathogenic. Last evaluated: 2022-07-14. Review status: criteria provided, single submitter. Criteria: GeneDx Variant Classification Process June 2021. Collection method: clinical testing. Allele origin: germline. Affected: yes.
Comment: Frameshift variant predicted to result in protein truncation or nonsense-mediated decay in a gene for which loss of function is a known mechanism of disease; Not observed at significant frequency in large population cohorts (gnomAD); This variant is associated with the following publications: (PMID: 33767182, 33144681)

3billion
Classification: Pathogenic for X-linked intellectual disability, Cantagrel type. Last evaluated: 2022-01-03. Review status: criteria provided, single submitter. Criteria: ACMG Guidelines, 2015. Collection method: clinical testing. Allele origin: germline. Affected: yes. Observed: 1 heterozygote.
Comment: Frameshift: predicted to result in a loss or disruption of normal protein function through nonsense-mediated decay (NMD) or protein truncation. Multiple pathogenic variants are reported downstream of the variant (PVS1_VS). It is not observed in the gnomAD v2.1.1 dataset (PM2_M). The variant has been reported to be associated with NEXMIF related disorder (ClinVar ID: VCV000653605). Therefore, this variant is classified as pathogenic according to the recommendation of ACMG/AMP guideline.

Ambry Genetics
Classification: Pathogenic. Last evaluated: 2021-08-02. Review status: criteria provided, single submitter. Criteria: Ambry Variant Classification Scheme 2023. Collection method: clinical testing. Allele origin: germline.
Comment: The c.3458dupA (p.N1153Kfs*8) alteration, located in exon 3 (coding exon 2) of the KIAA2022 gene, consists of a duplication of A at position 3458, causing a translational frameshift with a predicted alternate stop codon after 8 amino acids. This alteration is expected to result in loss of function by premature protein truncation or nonsense-mediated mRNA decay. Based on the available evidence, this alteration is classified as pathogenic.

Illumina Laboratory Services, Illumina
Classification: Pathogenic for X-linked intellectual disability, Cantagrel type. Last evaluated: 2018-08-29. Review status: criteria provided, single submitter. Criteria: ICSLVariantClassificationCriteria RUGD 01 April 2020. Collection method: clinical testing. Allele origin: unknown.
Comment: The KIAA2022 c.3458dupA p.(Asn1153LysfsTer8) variant causes a shift in the protein reading frame that is predicted to result in premature termination of the protein. Loss of normal protein function through either protein truncation or nonsense-mediated mRNA decay is expected. To our knowledge, this variant has not been reported in the peer-reviewed literature. This variant is not observed in version 2.1.1 of the Genome Aggregation Database. Based on the available evidence the c.3458dupA p.(Asn1153LysfsTer8) variant is classified as pathogenic for X-linked intellectual developmental disorder.

Neuberg Centre For Genomic Medicine, NCGM
Classification: Pathogenic for X-linked intellectual disability, Cantagrel type. Review status: criteria provided, single submitter. Criteria: ACMG Guidelines, 2015. Collection method: clinical testing. Allele origin: germline. Inheritance: X-linked dominant inheritance. Affected: yes.
Comment: The frameshift duplication p.N1153Kfs*8 in NEXMIF (NM_001008537.3) has been reported previously in affected individuals (Stamberger H et al,2021). It has been submitted previously to ClinVar as Pathogenic. The p.N1153Kfs*8 variant is novel (not in any individuals) in gnomAD Exomes and is novel (not in any individuals) in 1000 Genomes. This variant is predicted to cause loss of normal protein function. Loss of function variants have been previously reported to be disease causing. For these reasons, this variant has been classified as Pathogenic.

Literature cited by the submitters: PubMed 23615299 (cited by Labcorp Genetics (formerly Invitae), Labcorp); PubMed 33144681 (cited by Labcorp Genetics (formerly Invitae), Labcorp).